The following is an entry in ClinVar:

ClinVar aggregate classification (germline): Pathogenic/Likely pathogenic. Review status: criteria provided, multiple submitters, no conflicts (2 of 4 stars). 9 submissions from 9 submitters: Pathogenic (8); Likely pathogenic (1). Last evaluated 2026-01-13.

Conditions:
Arthrogryposis multiplex congenita 6. Identifiers: MedGen C5543431, MONDO:0030281, OMIM 619334.
Nemaline myopathy 2 (NEM2). Also called: Nemaline myopathy 2, autosomal recessive. Identifiers: MedGen C1850569, MONDO:0009725, OMIM 256030.
Nemaline myopathy. Also called: Myopathies, Nemaline. Identifiers: Orphanet 607, MedGen C0206157, MONDO:0018958.

Allele frequency attached by ClinVar (database versions not stated): gnomAD exomes 0.00001 and 0.00002; TOPMed 0.00003; gnomAD 0.00004 and 0.00005; ExAC 0.00007; ESP Exome Variant Server 0.00008.
gnomAD v4.1: 23 of 1,573,670 alleles (0.0015%); highest among the groups gnomAD compares: Non-Finnish European, 0.000086%; no homozygotes.

Submissions (9):

Labcorp Genetics (formerly Invitae), Labcorp
Classification: Pathogenic for Nemaline myopathy 2. Last evaluated: 2026-01-13. Review status: criteria provided, single submitter. Criteria: Invitae Variant Classification Sherloc (09022015). Collection method: clinical testing. Allele origin: germline.
Comment: This sequence change affects an acceptor splice site in intron 66 of the NEB gene. It is expected to disrupt RNA splicing. Variants that disrupt the donor or acceptor splice site typically lead to a loss of protein function (PMID: 16199547), and loss-of-function variants in NEB are known to be pathogenic (PMID: 25205138). This variant is present in population databases (rs375145370, gnomAD 0.05%). Disruption of this splice site has been observed in individual(s) with severe congenital hypotonia (PMID: 22367672, 25205138). In at least one individual the data is consistent with being in trans (on the opposite chromosome) from a pathogenic variant. ClinVar contains an entry for this variant (Variation ID: 379231). Algorithms developed to predict the effect of sequence changes on RNA splicing suggest that this variant may disrupt the consensus splice site. For these reasons, this variant has been classified as Pathogenic.

Natera, Inc.
Classification: Pathogenic for Nemaline myopathy type 2. Last evaluated: 2025-07-05. Review status: criteria provided, single submitter. Criteria: Natera Variant Classification Schema (03/2026). Collection method: clinical testing. Allele origin: germline.
Comment: The c.9619-2A>G variant in NEB is a canonical splice acceptor site variant predicted to affect pre-mRNA splicing, which may result in an abnormal transcript and altered protein product. This variant may result in a truncated or dysfunctional protein product. This variant is rare in the general population with a frequency below the threshold expected for the associated phenotype(s). This variant has been observed in one or more individuals affected with the associated recessive disease, as either homozygous or compound heterozygous with a second variant (PMID: 22367672, 27933661). Additionally, this variant has been observed to segregate in affected family members (PMID: 27933661). This variant has been identified in one or more affected individuals with a phenotype highly consistent with the associated gene (PMID:22367672). Given the available evidence, this variant is classified as Pathogenic.

Revvity Omics, Revvity
Classification: Pathogenic. Last evaluated: 2024-10-31. Review status: criteria provided, single submitter. Criteria: ACMG Guidelines, 2015. Collection method: clinical testing. Allele origin: germline.

Women's Health and Genetics/Laboratory Corporation of America, LabCorp
Classification: Pathogenic for Nemaline myopathy. Last evaluated: 2024-09-19. Review status: criteria provided, single submitter. Criteria: LabCorp Variant Classification Summary - May 2015. Collection method: clinical testing. Allele origin: germline.
Comment: Variant summary: NEB c.9619-2A>G (also described as IVS67-2A>G in the literature) is located in a canonical splice-site and is predicted to affect mRNA splicing resulting in a significantly altered protein due to either exon skipping, shortening, or inclusion of intronic material. Variants that disrupt the consensus splice site are a relatively common cause of aberrant splicing and loss of NEB function. Several computational tools predict a significant impact on normal splicing: Four predict the variant abolishes a 3' acceptor site. One predicts the variant strengthens a cryptic 3' acceptor site. However, these predictions have yet to be confirmed by functional studies. The variant allele was found at a frequency of 2.4e-05 in 212278 control chromosomes (gnomAD). c.9619-2A>G has been reported in the literature in individuals affected with nemaline myopathy 2 (examples: Yonath_2012; Lotta Lehtokari_2015). These data indicate that the variant may be associated with disease. To our knowledge, no experimental evidence demonstrating an impact on protein function has been reported. The following publications have been ascertained in the context of this evaluation (PMID: 22367672, 25205138). ClinVar contains an entry for this variant (Variation ID: 379231). Based on the evidence outlined above, the variant was classified as pathogenic.

Fulgent Genetics
Classification: Pathogenic for Nemaline myopathy 2; Arthrogryposis multiplex congenita 6. Last evaluated: 2021-10-23. Review status: criteria provided, single submitter. Criteria: ACMG Guidelines, 2015. Collection method: clinical testing. Allele origin: unknown.

Myriad Genetics, Inc.
Classification: Pathogenic for Nemaline myopathy 2. Last evaluated: 2021-10-20. Review status: criteria provided, single submitter. Criteria: Myriad Women's Health Autosomal Recessive and X-Linked Classification Criteria (2021). Collection method: clinical testing. Allele origin: unknown.
Comment: NM_001271208.1(NEB):c.9619-2A>G is a canonical splice variant classified as pathogenic in the context of NEB-related nemaline myopathy. c.9619-2A>G has been observed in cases with relevant disease (PMID: 22367672, 29172004, 25205138). Functional assessments of this variant are not available in the literature. c.9619-2A>G has been observed in population frequency databases (gnomAD: ASJ 0.04%). In summary, NM_001271208.1(NEB):c.9619-2A>G is a canonical splice variant that has been observed more frequently in cases with the relevant disease than in healthy populations. Please note: this variant was assessed in the context of healthy population screening.

GeneDx
Classification: Pathogenic. Last evaluated: 2019-10-10. Review status: criteria provided, single submitter. Criteria: GeneDx Variant Classification Process June 2021. Collection method: clinical testing. Allele origin: germline. Affected: yes.
Comment: Canonical splice site variant predicted to result in an in-frame deletion of a critical region; Deletions involving coding exons in this gene are frequently reported as pathogenic, regardless of frame prediction (Stenson et al., 2014); Not observed at a significant frequency in large population cohorts (Lek et al., 2016); This variant is associated with the following publications: (PMID: 27933661, 25205138, 22367672)

Institute of Human Genetics Munich, TUM University Hospital
Classification: Pathogenic for Nemaline myopathy 2. Last evaluated: 2017-11-15. Review status: criteria provided, single submitter. Criteria: Classification criteria August 2017. Collection method: clinical testing. Allele origin: paternal. Inheritance: Autosomal recessive inheritance. Affected: yes. Observed: 1 compound heterozygote.

Illumina Laboratory Services, Illumina
Classification: Likely pathogenic for Nemaline myopathy 2. Last evaluated: 2017-04-27. Review status: criteria provided, single submitter. Criteria: ICSL Variant Classification Criteria 09 May 2019. Collection method: clinical testing. Allele origin: germline.
Comment: The NEB c.8890-2A>G variant, also referred to as c.9619-2A>G, is reported in three studies and identified in five compound heterozygous individuals with nemaline myopathy including 3 siblings (Yonath et al. 2012; Lehtokari et al 2014; Feingold-Zadok et al. 2017). Control data are unavailable for this variant which is reported at a frequency of 0.000494 in the Ashkenazi Jewish population of the Genome Aggregation Database. Due to the potential impact of splice acceptor variants and the evidence from the literature, the c.8890-2A>G variant is classified as likely pathogenic for nemaline myopathy. This variant was observed by ICSL as part of a predisposition screen in an ostensibly healthy population.

Literature cited by the submitters: PubMed 16199547 (cited by Labcorp Genetics (formerly Invitae), Labcorp); PubMed 25205138 (cited by 4 submitters); PubMed 22367672 (cited by 5 submitters); PubMed 27933661 (cited by Natera, Inc. and Illumina Laboratory Services, Illumina); PubMed 29172004 (cited by Myriad Genetics, Inc.).

NM_001164508.2(NEB):c.9619-2A>G

Gene: NEB (nebulin; minus strand). Cytogenetic location: 2q23.3.
Variant type: single nucleotide variant.
Coding change: c.9619-2A>G on transcript NM_001164508.2 (MANE Select); the canonical splice acceptor site of the intron before coding-DNA position 9619, A replaced by G.
Molecular consequence: splice acceptor variant.
Genome position (GRCh38, 1-based): chr2:151,630,821, T>C on the plus strand (A>G on the coding strand, the complement: NEB is on the minus strand). VCF-style: chr2-151630821-T-C. GRCh37 (hg19) VCF-style: chr2-152487335-T-C.
Other names: c.8890-2A>G (NM_004543.5); c.9619-2A>G (NM_001164507.2, NM_001271208.2).
Identifiers: ClinVar variation 379231 (VCV000379231.32), dbSNP rs375145370, ClinGen allele CA1909252.
Genomic context (GRCh38, chr2:151,630,821, plus strand): 5'-GTATCAGGCATTATGTGAATTTGAGTCTTGTCTTTGTCCCAGGCCTCTGTGTATAAACGC[T>C]ATAAAAGAAGATAAGATGCTGATTAAAAATCATTTGAAATAGAAATGACAAAAAGTTCAT-3'